The following is an entry in ClinVar:

ClinVar aggregate classification (germline): Likely benign. Review status: criteria provided, multiple submitters, no conflicts (2 of 4 stars). 4 submissions from 4 submitters: Likely benign (4). Last evaluated 2025-04-28.

Conditions:
COL4A1-related disorder. Also called: COL4A1-related condition; COL4A1-related disorders. Identifiers: MedGen CN376119, MONDO:0800461.
Hemorrhage, intracerebral, susceptibility to (ICH). Also called: Stroke, hemorrhagic, susceptibility to. Identifiers: MedGen C3281105, MONDO:0100533, OMIM 614519.
Autosomal dominant familial hematuria-retinal arteriolar tortuosity-contractures syndrome. Also called: Hereditary Angiopathy with Nephropathy, Aneurysms, and Muscle Cramps (HANAC) Syndrome; Angiopathy, hereditary, with nephropathy, aneurysms, and muscle cramps. Identifiers: Orphanet 73229, MedGen C2673195, MONDO:0012726, OMIM 611773.
Brain small vessel disease 1 with or without ocular anomalies (BSVD1). Also called: BRAIN SMALL VESSEL DISEASE WITH HEMORRHAGE; Brain small vessel disease with or without ocular anomalies; PORENCEPHALY, TYPE 1, AUTOSOMAL DOMINANT; GOULD SYNDROME 1. Identifiers: Orphanet 2940, Orphanet 36383, Orphanet 99810, MedGen C4755307, MONDO:0008289, OMIM 175780.
Retinal arterial tortuosity. Also called: Retinal arteries, tortuosity of; RETINAL HEMORRHAGE WITH VASCULAR TORTUOSITY. Identifiers: Orphanet 75326, MedGen C0423401, MONDO:0008373, OMIM 180000, HP:0000631.
Microangiopathy and leukoencephalopathy, pontine, autosomal dominant. Also called: Pontine autosomal dominant microangiopathy with leukoencephalopathy; DEMENTIA, HEREDITARY MULTI-INFARCT, SWEDISH TYPE. Identifiers: Orphanet 477749, MedGen C5231411, MONDO:0032814, OMIM 618564.

Allele frequency attached by ClinVar (database versions not stated): TOPMed below 0.00001; ExAC 0.00001; gnomAD 0.00001; gnomAD exomes 0.00002; 1000 Genomes Project 30x 0.00016; 1000 Genomes Project 0.00020.
gnomAD v4.1: 29 of 1,613,926 alleles (0.0018%); highest among the groups gnomAD compares: South Asian, 0.023%; no homozygotes.

Submissions (4):

Labcorp Genetics (formerly Invitae), Labcorp
Classification: Likely benign. Last evaluated: 2025-04-28. Review status: criteria provided, single submitter. Criteria: Invitae Variant Classification Sherloc (09022015). Collection method: clinical testing. Allele origin: germline.

PreventionGenetics, part of Exact Sciences
Classification: Likely benign for COL4A1-related condition. Last evaluated: 2025-03-10. Review status: criteria provided, single submitter. Criteria: ACMG Guidelines, 2015. Collection method: clinical testing. Allele origin: germline.
Comment: This variant is classified as likely benign based on ACMG/AMP sequence variant interpretation guidelines (Richards et al. 2015 PMID: 25741868, with internal and published modifications).

CeGaT Center for Human Genetics Tuebingen
Classification: Likely benign. Last evaluated: 2023-11-01. Review status: criteria provided, single submitter. Criteria: CeGaT Center For Human Genetics Tuebingen Variant Classification Criteria Version 2. Collection method: clinical testing. Allele origin: germline. Affected: yes. Observed: 1 variant allele.
Comment: COL4A1: BP4, BP7

Fulgent Genetics
Classification: Likely benign for Brain small vessel disease 1 with or without ocular anomalies; Retinal arterial tortuosity; Autosomal dominant familial hematuria-retinal arteriolar tortuosity-contractures syndrome; Hemorrhage, intracerebral, susceptibility to; Microangiopathy and leukoencephalopathy, pontine, autosomal dominant. Last evaluated: 2022-01-25. Review status: criteria provided, single submitter. Criteria: ACMG Guidelines, 2015. Collection method: clinical testing. Allele origin: unknown.

NM_001845.6(COL4A1):c.1656C>T (p.Pro552=)

Gene: COL4A1 (collagen type IV alpha 1 chain; minus strand). Cytogenetic location: 13q34.
Variant type: single nucleotide variant.
Coding change: c.1656C>T on transcript NM_001845.6 (MANE Select); coding-DNA position 1656, C replaced by T.
Protein change: p.Pro552=; no amino-acid change (proline 552 retained).
Molecular consequence: synonymous variant.
Genome position (GRCh38, 1-based): chr13:110,187,210, G>A on the plus strand (C>T on the coding strand, the complement: COL4A1 is on the minus strand). VCF-style: chr13-110187210-G-A. GRCh37 (hg19) VCF-style: chr13-110839557-G-A.
Other names: c.1656C>T (NM_001845.5).
Identifiers: ClinVar variation 1572036 (VCV001572036.33), dbSNP rs576690537, ClinGen allele CA7047865.